The following is an entry in ClinVar:

ClinVar aggregate classification (germline): Likely benign (1 of 4 stars; one submission).

Allele frequency attached by ClinVar (database versions not stated): 1000 Genomes Project 0.00020; ESP Exome Variant Server 0.00008; 1000 Genomes Project 30x 0.00016.
gnomAD v4.1: 93 of 1,597,670 alleles (0.0058%); highest among the groups gnomAD compares: Middle Eastern, 0.017%; no homozygotes.

Submission:

CeGaT Center for Human Genetics Tuebingen
Classification: Likely benign. Last evaluated: 2026-01-01. Review status: criteria provided, single submitter. Criteria: CeGaT Center For Human Genetics Tuebingen Variant Classification Criteria Version 2. Collection method: clinical testing. Allele origin: germline. Affected: yes. Observed: 3 variant alleles.
Comment: AGO2: BP4, BP7

NM_012154.5(AGO2):c.1803C>G (p.Pro601=)

Gene: AGO2 (argonaute RISC catalytic component 2; minus strand). Cytogenetic location: 8q24.3.
Variant type: single nucleotide variant.
Coding change: c.1803C>G on transcript NM_012154.5 (MANE Select); coding-DNA position 1803, C replaced by G.
Protein change: p.Pro601=; no amino-acid change (proline 601 retained).
Molecular consequence: synonymous variant.
Genome position (GRCh38, 1-based): chr8:140,544,249, G>C on the plus strand (C>G on the coding strand, the complement: AGO2 is on the minus strand). VCF-style: chr8-140544249-G-C. GRCh37 (hg19) VCF-style: chr8-141554348-G-C.
Other names: c.1803C>G, p.Pro601= (NM_001164623.3).
Identifiers: ClinVar variation 3250802 (VCV003250802.18), dbSNP rs142977065.
Genomic context (GRCh38, chr8:140,544,249, plus strand): 5'-CCATGGGGAAGCGCTGACACTCACGGCGGCAATGGAGGGCTTCTTCCCATCCCCGGCGGG[G>C]GGGTGAGTGACGTCTGCTCCCAGAAAGATGACGGGCTGCTGGAACACCGGCGGCCTGCGG-3'
Protein context (NP_036286.2, residues 591-611): VIFLGADVTH[Pro601=]PAGDGKKPSI